The following is an entry in ClinVar:

ClinVar aggregate classification (germline): Uncertain significance (1 of 4 stars; one submission).

Submission:

Labcorp Genetics (formerly Invitae), Labcorp
Classification: Uncertain significance. Last evaluated: 2024-05-29. Review status: criteria provided, single submitter. Criteria: Invitae Variant Classification Sherloc (09022015). Collection method: clinical testing. Allele origin: germline.
Comment: This sequence change replaces glycine, which is neutral and non-polar, with serine, which is neutral and polar, at codon 570 of the GRM6 protein (p.Gly570Ser). This variant is not present in population databases (gnomAD no frequency). This variant has not been reported in the literature in individuals affected with GRM6-related conditions. ClinVar contains an entry for this variant (Variation ID: 2132874). Advanced modeling of protein sequence and biophysical properties (such as structural, functional, and spatial information, amino acid conservation, physicochemical variation, residue mobility, and thermodynamic stability) performed at Invitae indicates that this missense variant is not expected to disrupt GRM6 protein function with a negative predictive value of 80%. In summary, the available evidence is currently insufficient to determine the role of this variant in disease. Therefore, it has been classified as a Variant of Uncertain Significance.

NM_000843.4(GRM6):c.1708G>A (p.Gly570Ser)

Genes: GRM6 (glutamate metabotropic receptor 6; minus strand), ZNF454 (zinc finger protein 454; plus strand). Cytogenetic location: 5q35.3.
Variant type: single nucleotide variant.
Coding change: c.1708G>A on transcript NM_000843.4 (MANE Select); coding-DNA position 1708, G replaced by A.
Protein change: p.Gly570Ser; replaces glycine 570 with serine.
Molecular consequence: missense variant.
Genome position (GRCh38, 1-based): chr5:178,986,546, C>T on the plus strand (G>A on the coding strand, the complement: GRM6 is on the minus strand). VCF-style: chr5-178986546-C-T. GRCh37 (hg19) VCF-style: chr5-178413547-C-T.
Other names: short protein forms G570S.
Identifiers: ClinVar variation 2132874 (VCV002132874.4), dbSNP rs2480379378, ClinGen allele CA362427505.